The following is an entry in ClinVar:

ClinVar aggregate classification (germline): Uncertain significance (1 of 4 stars; one submission).

Conditions:
Hereditary cancer-predisposing syndrome. Also called: Hereditary Cancer Syndrome; Tumor predisposition; Hereditary neoplastic syndrome; Neoplastic Syndromes, Hereditary. Identifiers: Orphanet 140162, MedGen C0027672, MeSH D009386, MONDO:0015356.

Submission:

Ambry Genetics
Classification: Uncertain significance for Hereditary cancer-predisposing syndrome. Last evaluated: 2024-10-14. Review status: criteria provided, single submitter. Criteria: Ambry Variant Classification Scheme 2023. Collection method: clinical testing. Allele origin: germline.
Comment: The p.V788G variant (also known as c.2363T>G), located in coding exon 9 of the MET gene, results from a T to G substitution at nucleotide position 2363. The valine at codon 788 is replaced by glycine, an amino acid with dissimilar properties. This amino acid position is conserved. In addition, this alteration is predicted to be tolerated by in silico analysis. Based on the available evidence, the clinical significance of this variant remains unclear.

NM_000245.4(MET):c.2309T>G (p.Val770Gly)

Gene: MET (MET proto-oncogene, receptor tyrosine kinase; plus strand). Cytogenetic location: 7q31.2.
Variant type: single nucleotide variant.
Coding change: c.2309T>G on transcript NM_000245.4 (MANE Select); coding-DNA position 2309, T replaced by G.
Protein change: p.Val770Gly; replaces valine 770 with glycine.
Molecular consequence: missense variant.
Genome position (GRCh38, 1-based): chr7:116,759,435, T>G. VCF-style: chr7-116759435-T-G. GRCh37 (hg19) VCF-style: chr7-116399489-T-G.
Other names: c.2363T>G, p.Val788Gly (NM_001127500.3); c.2309T>G, p.Val770Gly (NM_001324401.3); c.1019T>G, p.Val340Gly (NM_001324402.2); short protein forms V340G, V770G, V788G.
Identifiers: ClinVar variation 3395172 (VCV003395172.1).